The following is an entry in ClinVar:

NM_002691.4(POLD1):c.193G>A (p.Val65Ile)

Gene: POLD1 (DNA polymerase delta 1, catalytic subunit; plus strand). Cytogenetic location: 19q13.33.
Variant type: single nucleotide variant.
Coding change: c.193G>A on transcript NM_002691.4 (MANE Select); coding-DNA position 193, G replaced by A.
Protein change: p.Val65Ile; replaces valine 65 with isoleucine.
Molecular consequence: missense variant. On other transcripts: non-coding transcript variant (1).
Genome position (GRCh38, 1-based): chr19:50,399,044, G>A. VCF-style: chr19-50399044-G-A. GRCh37 (hg19) VCF-style: chr19-50902301-G-A.
Other names: c.193G>A, p.Val65Ile (NM_001256849.1, NM_001308632.1); short protein forms V65I.
Identifiers: ClinVar variation 469228 (VCV000469228.10), dbSNP rs975951740, ClinGen allele CA406970348.
Genomic context (GRCh38, chr19:50,399,044, plus strand): 5'-GAGGCAGAACACAGGCTGCAGGAGCAGGAGGAGGAGGAGCTGCAGTCAGTCCTGGAGGGG[G>A]TTGCAGACGGTAAGGCTTGGAGTTGGAGGTTCCTGCTGCCCAACCCATTGCCCCTGGTCT-3'
Protein context (NP_002682.2, residues 55-75): EEELQSVLEG[Val65Ile]ADGQVPPSAI

ClinVar aggregate classification (germline): Uncertain significance (1 of 4 stars; one submission).

Conditions:
POLD1-related polyposis and colorectal cancer syndrome (CRCS10). Also called: Colorectal cancer 10; COLORECTAL CANCER, SUSCEPTIBILITY TO, ON CHROMOSOME 19q; Colorectal cancer, susceptibility to, 10. Identifiers: Orphanet 220460, MedGen C2675481, MONDO:0012953, OMIM 612591.

Submission:

Labcorp Genetics (formerly Invitae), Labcorp
Classification: Uncertain significance for POLD1-related polyposis and colorectal cancer syndrome. Last evaluated: 2022-03-03. Review status: criteria provided, single submitter. Criteria: Invitae Variant Classification Sherloc (09022015). Collection method: clinical testing. Allele origin: germline.
Comment: In summary, the available evidence is currently insufficient to determine the role of this variant in disease. Therefore, it has been classified as a Variant of Uncertain Significance. Algorithms developed to predict the effect of missense changes on protein structure and function (SIFT, PolyPhen-2, Align-GVGD) all suggest that this variant is likely to be tolerated. ClinVar contains an entry for this variant (Variation ID: 469228). This variant has not been reported in the literature in individuals affected with POLD1-related conditions. This variant is not present in population databases (gnomAD no frequency). This sequence change replaces valine, which is neutral and non-polar, with isoleucine, which is neutral and non-polar, at codon 65 of the POLD1 protein (p.Val65Ile).